The following is an entry in ClinVar:

NM_003114.5(SPAG1):c.496G>A (p.Val166Met)

Gene: SPAG1 (sperm associated antigen 1; plus strand). Cytogenetic location: 8q22.2.
Variant type: single nucleotide variant.
Coding change: c.496G>A on transcript NM_003114.5 (MANE Select); coding-DNA position 496, G replaced by A.
Protein change: p.Val166Met; replaces valine 166 with methionine.
Molecular consequence: missense variant.
Genome position (GRCh38, 1-based): chr8:100,183,963, G>A. VCF-style: chr8-100183963-G-A. GRCh37 (hg19) VCF-style: chr8-101196191-G-A.
Other names: c.496G>A, p.Val166Met (NM_001374321.1, NM_172218.3); short protein forms V166M.
Identifiers: ClinVar variation 934117 (VCV000934117.8), dbSNP rs201503190, ClinGen allele CA4827286.

ClinVar aggregate classification (germline): Uncertain significance. Review status: criteria provided, multiple submitters, no conflicts (2 of 4 stars). 3 submissions from 3 submitters: Uncertain significance (3). Last evaluated 2025-11-22.

Conditions:
Primary ciliary dyskinesia 28. Also called: CILIARY DYSKINESIA, PRIMARY, 28, WITH OR WITHOUT SITUS INVERSUS. Identifiers: Orphanet 244, MedGen C3809706, MONDO:0014216, OMIM 615505.
Primary ciliary dyskinesia. Also called: Ciliary dyskinesia. Identifiers: Orphanet 244, MedGen C0008780, MONDO:0016575, HP:0012265.

Allele frequency attached by ClinVar (database versions not stated): 1000 Genomes Project below 0.00001; gnomAD 0.00007 and 0.00009; gnomAD exomes 0.00007; ExAC 0.00008; ESP Exome Variant Server 0.00008; TOPMed 0.00009.
gnomAD v4.1: 116 of 1,496,234 alleles (0.0078%); highest among the groups gnomAD compares: Middle Eastern, 0.017%; no homozygotes.

Submissions (3):

Ambry Genetics
Classification: Uncertain significance for Primary ciliary dyskinesia. Last evaluated: 2025-11-22. Review status: criteria provided, single submitter. Criteria: Ambry Variant Classification Scheme 2023. Collection method: clinical testing. Allele origin: germline.
Comment: The p.V166M variant (also known as c.496G>A), located in coding exon 5 of the SPAG1 gene, results from a G to A substitution at nucleotide position 496. The valine at codon 166 is replaced by methionine, an amino acid with highly similar properties. This amino acid position is conserved. In addition, this alteration is predicted to be tolerated by in silico analysis. Based on the available evidence, the clinical significance of this variant remains unclear.

Labcorp Genetics (formerly Invitae), Labcorp
Classification: Uncertain significance for Primary ciliary dyskinesia 28. Last evaluated: 2022-10-17. Review status: criteria provided, single submitter. Criteria: Invitae Variant Classification Sherloc (09022015). Collection method: clinical testing. Allele origin: germline.
Comment: This sequence change replaces valine, which is neutral and non-polar, with methionine, which is neutral and non-polar, at codon 166 of the SPAG1 protein (p.Val166Met). This variant is present in population databases (rs201503190, gnomAD 0.02%). This variant has not been reported in the literature in individuals affected with SPAG1-related conditions. ClinVar contains an entry for this variant (Variation ID: 934117). Advanced modeling of protein sequence and biophysical properties (such as structural, functional, and spatial information, amino acid conservation, physicochemical variation, residue mobility, and thermodynamic stability) performed at Invitae indicates that this missense variant is expected to disrupt SPAG1 protein function. In summary, the available evidence is currently insufficient to determine the role of this variant in disease. Therefore, it has been classified as a Variant of Uncertain Significance.

Fulgent Genetics
Classification: Uncertain significance for Primary ciliary dyskinesia 28. Last evaluated: 2022-01-21. Review status: criteria provided, single submitter. Criteria: ACMG Guidelines, 2015. Collection method: clinical testing. Allele origin: unknown.